The following is an entry in ClinVar:

ClinVar aggregate classification (germline): Uncertain significance (1 of 4 stars; one submission).

Conditions:
MIR96-related condition.

Submission:

PreventionGenetics, part of Exact Sciences
Classification: Uncertain significance for MIR96-related condition. Last evaluated: 2026-01-23. Review status: criteria provided, single submitter. Criteria: ACMG Guidelines, 2015. Collection method: clinical testing. Allele origin: germline.
Comment: The MIR96 n.43G>A is a noncoding alteration. This variant was reported in two individuals with nonsyndromic hearing loss (Dallol et al. 2016. PubMed ID: 27766948; Likar et al. 2018. PubMed ID: 29293505). This variant is reported in 0.0095% of alleles in individuals of European (Non-Finnish) descent in gnomAD. At this time, the clinical significance of this variant is uncertain due to the absence of conclusive functional and genetic evidence.

NR_029512.1(MIR96):n.43G>A

Gene: MIR96 (microRNA 96; minus strand). Cytogenetic location: 7q32.2.
Variant type: single nucleotide variant.
Molecular consequence: non-coding transcript variant (on NR_029512.1).
Genome position: GRCh38 VCF-style: chr7-129774727-C-T. GRCh37 (hg19) VCF-style: chr7-129414567-C-T.
Identifiers: ClinVar variation 4981738 (VCV004981738.1).
Genomic context (GRCh38, chr7:129,774,727, plus strand): 5'-GGCGGACGCAGCTGCGGGTCCTGCTTTTCCCATATTGGCACTGCACATGATTGCTCAGAG[C>T]GGAGAGACACAAGCAAAAATGTGCTAGTGCCAAAATCGGCCAAGCAGATGGCACTGGTGC-3'